The following is an entry in ClinVar:

NM_001405760.1(OR52I2):c.475G>T (p.Ala159Ser)

Gene: OR52I2 (olfactory receptor family 52 subfamily I member 2; plus strand). Cytogenetic location: 11p15.4.
Variant type: single nucleotide variant.
Coding change: c.475G>T on transcript NM_001405760.1 (MANE Select); coding-DNA position 475, G replaced by T.
Protein change: p.Ala159Ser; replaces alanine 159 with serine.
Molecular consequence: missense variant.
Genome position (GRCh38, 1-based): chr11:4,587,365, G>T. VCF-style: chr11-4587365-G-T. GRCh37 (hg19) VCF-style: chr11-4608595-G-T.
Other names: c.475G>T, p.Ala159Ser (NM_001005170.4); short protein forms A159S, A185S.
Identifiers: ClinVar variation 2344611 (VCV002344611.27), dbSNP rs753062989, ClinGen allele CA5833420.

ClinVar aggregate classification (germline): Conflicting classifications of pathogenicity. Review status: criteria provided, conflicting classifications (1 of 4 stars). 2 submissions from 2 submitters: Uncertain significance (1); Likely benign (1). Last evaluated 2022-12-01.

Allele frequency attached by ClinVar (database versions not stated): ExAC 0.00007; 1000 Genomes Project 30x 0.00874.

Submissions (2):

CeGaT Center for Human Genetics Tuebingen
Classification: Likely benign. Last evaluated: 2022-12-01. Review status: criteria provided, single submitter. Criteria: CeGaT Center For Human Genetics Tuebingen Variant Classification Criteria Version 2. Collection method: clinical testing. Allele origin: germline. Affected: yes. Observed: 1 variant allele.
Comment: OR52I2: BP4, BS2

Ambry Genetics
Classification: Uncertain significance. Last evaluated: 2021-09-01. Review status: criteria provided, single submitter. Criteria: Ambry Variant Classification Scheme 2023. Collection method: clinical testing. Allele origin: germline.